The following is an entry in ClinVar:

NM_031307.4(PUS3):c.1124C>T (p.Pro375Leu)

Genes: HYLS1 (HYLS1 centriolar and ciliogenesis associated; plus strand), PUS3 (pseudouridine synthase 3; minus strand). Cytogenetic location: 11q24.2.
Variant type: single nucleotide variant.
Coding change: c.1124C>T on transcript NM_031307.4 (MANE Select); coding-DNA position 1124, C replaced by T.
Protein change: p.Pro375Leu; replaces proline 375 with leucine.
Molecular consequence: missense variant. On other transcripts: intron variant (5).
Genome position (GRCh38, 1-based): chr11:125,894,107, G>A on the plus strand (C>T on the coding strand, the complement: PUS3 is on the minus strand). VCF-style: chr11-125894107-G-A. GRCh37 (hg19) VCF-style: chr11-125764002-G-A.
Other names: c.1124C>T (NM_031307.3); c.500C>T, p.Pro167Leu (NM_001271985.2); c.-81+2635G>A (NM_145014.3); c.-26+2635G>A (NM_001134793.2); c.-23+2635G>A (NM_001424364.1); c.-25-5237G>A (NM_001377269.1); c.-22-5240G>A (NM_001377270.1); short protein forms P167L, P375L.
Identifiers: ClinVar variation 1436658 (VCV001436658.6), dbSNP rs150859450, ClinGen allele CA6350381.
Genomic context (GRCh38, chr11:125,894,107, plus strand): 5'-ACAGAGGGCTTAACATTTCCCCATTCTGTCATTCCATCCATCTTTGGTCCTATTCCACAG[G>A]GTACTGGAACAGTGTCCAGTCCTTGTAGCATACTATACAACATGTGAGTTTTGACAGCAT-3'
Protein context (NP_112597.4, residues 365-385): MLQGLDTVPV[Pro375Leu]CGIGPKMDGM

ClinVar aggregate classification (germline): Uncertain significance. Review status: criteria provided, multiple submitters, no conflicts (2 of 4 stars). 3 submissions from 3 submitters: Uncertain significance (3). Last evaluated 2025-09-11.

Conditions:
Inborn genetic diseases. Identifiers: MedGen C0950123, MeSH D030342.

Allele frequency attached by ClinVar (database versions not stated): ESP Exome Variant Server 0.00008; gnomAD exomes 0.00012 and 0.00021; gnomAD 0.00014 and 0.00016; ExAC 0.00019; TOPMed 0.00026; 1000 Genomes Project 0.00040; 1000 Genomes Project 30x 0.00062.
gnomAD v4.1: 194 of 1,613,924 alleles (0.012%); highest among the groups gnomAD compares: Admixed American, 0.093%; no homozygotes.

Submissions (3):

Ambry Genetics
Classification: Uncertain significance for Inborn genetic diseases. Last evaluated: 2025-09-11. Review status: criteria provided, single submitter. Criteria: Ambry Variant Classification Scheme 2023. Collection method: clinical testing. Allele origin: germline.

Labcorp Genetics (formerly Invitae), Labcorp
Classification: Uncertain significance. Last evaluated: 2024-01-22. Review status: criteria provided, single submitter. Criteria: Invitae Variant Classification Sherloc (09022015). Collection method: clinical testing. Allele origin: germline.
Comment: This sequence change replaces proline, which is neutral and non-polar, with leucine, which is neutral and non-polar, at codon 375 of the PUS3 protein (p.Pro375Leu). This variant is present in population databases (rs150859450, gnomAD 0.1%). This variant has not been reported in the literature in individuals affected with PUS3-related conditions. ClinVar contains an entry for this variant (Variation ID: 1436658). Advanced modeling of protein sequence and biophysical properties (such as structural, functional, and spatial information, amino acid conservation, physicochemical variation, residue mobility, and thermodynamic stability) performed at Invitae indicates that this missense variant is not expected to disrupt PUS3 protein function with a negative predictive value of 80%. In summary, the available evidence is currently insufficient to determine the role of this variant in disease. Therefore, it has been classified as a Variant of Uncertain Significance.

Breakthrough Genomics
Classification: Uncertain significance. Review status: criteria provided, single submitter. Criteria: ACMG Guidelines, 2015. Collection method: not provided. Allele origin: germline. Inheritance: Autosomal recessive inheritance. Affected: yes.